The following is an entry in ClinVar:

ClinVar aggregate classification (germline): Uncertain significance (1 of 4 stars; one submission).

Conditions:
Autosomal dominant centronuclear myopathy. Also called: Myopathy, centronuclear, 3; MYOTUBULAR MYOPATHY, AUTOSOMAL DOMINANT. Identifiers: Orphanet 169189, MedGen C4551952, MeSH D020914, MONDO:0008048, OMIM 160150.

Allele frequency attached by ClinVar (database versions not stated): gnomAD exomes below 0.00001 and 0.00001; TOPMed below 0.00001; gnomAD 0.00001.

Submission:

Labcorp Genetics (formerly Invitae), Labcorp
Classification: Uncertain significance for Autosomal dominant centronuclear myopathy. Last evaluated: 2022-08-09. Review status: criteria provided, single submitter. Criteria: Invitae Variant Classification Sherloc (09022015). Collection method: clinical testing. Allele origin: germline.
Comment: In summary, the available evidence is currently insufficient to determine the role of this variant in disease. Therefore, it has been classified as a Variant of Uncertain Significance. Algorithms developed to predict the effect of missense changes on protein structure and function are either unavailable or do not agree on the potential impact of this missense change (SIFT: "Tolerated"; PolyPhen-2: "Probably Damaging"; Align-GVGD: "Class C15"). ClinVar contains an entry for this variant (Variation ID: 1034631). This variant has not been reported in the literature in individuals affected with MYF6-related conditions. This variant is present in population databases (no rsID available, gnomAD 0.003%). This sequence change replaces proline, which is neutral and non-polar, with serine, which is neutral and polar, at codon 65 of the MYF6 protein (p.Pro65Ser).

NM_002469.3(MYF6):c.193C>T (p.Pro65Ser)

Gene: MYF6 (myogenic factor 6; plus strand). Cytogenetic location: 12q21.31.
Variant type: single nucleotide variant.
Coding change: c.193C>T on transcript NM_002469.3 (MANE Select); coding-DNA position 193, C replaced by T.
Protein change: p.Pro65Ser; replaces proline 65 with serine.
Molecular consequence: missense variant.
Genome position (GRCh38, 1-based): chr12:80,707,912, C>T. VCF-style: chr12-80707912-C-T. GRCh37 (hg19) VCF-style: chr12-81101691-C-T.
Other names: short protein forms P65S.
Identifiers: ClinVar variation 1034631 (VCV001034631.10), dbSNP rs1187510400, ClinGen allele CA385862697.
Genomic context (GRCh38, chr12:80,707,912, plus strand): 5'-CAGGACCAAATGCCCCCGGAAGCGGGGAGCGACAGCAGCGGAGAGGAACATGTCCTGGCG[C>T]CCCCGGGCCTGCAGCCTCCACACTGCCCCGGCCAGTGTCTGATCTGGGCTTGCAAGACCT-3'
Protein context (NP_002460.1, residues 55-75): DSSGEEHVLA[Pro65Ser]PGLQPPHCPG